The following is an entry in ClinVar:

ClinVar aggregate classification (germline): Conflicting classifications of pathogenicity. Review status: criteria provided, conflicting classifications (1 of 4 stars). 8 submissions from 8 submitters: Uncertain significance (7); Benign (1). Last evaluated 2026-06-22.

Conditions:
Hereditary cancer-predisposing syndrome. Also called: Neoplastic Syndromes, Hereditary; Hereditary neoplastic syndrome; Hereditary Cancer Syndrome; Tumor predisposition. Identifiers: Orphanet 140162, MedGen C0027672, MeSH D009386, MONDO:0015356.
Familial adenomatous polyposis 1 (FAP1). Also called: POLYPOSIS, ADENOMATOUS INTESTINAL; FAMILIAL ADENOMATOUS POLYPOSIS 1, ATTENUATED. Identifiers: MedGen C2713442, MONDO:0021056, OMIM 175100. Disease mechanism: loss of function.
Classic or attenuated familial adenomatous polyposis. Identifiers: MedGen CN372698, MONDO:0021057.

Allele frequency attached by ClinVar (database versions not stated): gnomAD exomes below 0.00001 and 0.00002; gnomAD 0.00001; TOPMed 0.00001; ESP Exome Variant Server 0.00008.
gnomAD v4.1: 23 of 1,612,650 alleles (0.0014%); highest among the groups gnomAD compares: Non-Finnish European, 0.002%; no homozygotes.

Submissions (8):

Ambry Genetics
Classification: Benign for Hereditary cancer-predisposing syndrome. Last evaluated: 2026-06-22. Review status: criteria provided, single submitter. Criteria: Ambry Variant Classification Scheme 2023. Collection method: clinical testing. Allele origin: germline.

Labcorp Genetics (formerly Invitae), Labcorp
Classification: Uncertain significance for Familial adenomatous polyposis 1. Last evaluated: 2025-01-12. Review status: criteria provided, single submitter. Criteria: Invitae Variant Classification Sherloc (09022015). Collection method: clinical testing. Allele origin: germline.
Comment: This sequence change replaces lysine, which is basic and polar, with glutamic acid, which is acidic and polar, at codon 1796 of the APC protein (p.Lys1796Glu). This variant is present in population databases (rs367577259, gnomAD 0.0009%). This missense change has been observed in individual(s) with breast cancer (PMID: 25186627). ClinVar contains an entry for this variant (Variation ID: 482237). Invitae Evidence Modeling of protein sequence and biophysical properties (such as structural, functional, and spatial information, amino acid conservation, physicochemical variation, residue mobility, and thermodynamic stability) indicates that this missense variant is not expected to disrupt APC protein function with a negative predictive value of 95%. In summary, the available evidence is currently insufficient to determine the role of this variant in disease. Therefore, it has been classified as a Variant of Uncertain Significance.

Color Diagnostics, LLC DBA Color Health
Classification: Uncertain significance for Hereditary cancer-predisposing syndrome. Last evaluated: 2024-08-26. Review status: criteria provided, single submitter. Criteria: ACMG Guidelines, 2015. Collection method: clinical testing. Allele origin: germline.
Comment: This missense variant replaces lysine with glutamic acid at codon 1796 of the APC protein. Computational prediction suggests that this variant may not impact protein structure and function (internally defined REVEL score threshold <= 0.5, PMID: 27666373). To our knowledge, functional studies have not been reported for this variant. This variant has been reported in an individual affected with breast cancer (PMID: 25186627). This variant has been identified in 1/249732 chromosomes in the general population by the Genome Aggregation Database (gnomAD). The available evidence is insufficient to determine the role of this variant in disease conclusively. Therefore, this variant is classified as a Variant of Uncertain Significance.

Baylor Genetics
Classification: Uncertain significance for Familial adenomatous polyposis 1. Last evaluated: 2024-01-03. Review status: criteria provided, single submitter. Criteria: ACMG Guidelines, 2015. Collection method: clinical testing. Allele origin: unknown.

Blueprint Genetics
Classification: Uncertain significance. Last evaluated: 2023-12-22. Review status: criteria provided, single submitter. Criteria: ACMG Guidelines, 2015. Collection method: clinical testing. Allele origin: germline.

All of Us Research Program, National Institutes of Health
Classification: Uncertain significance for Classic or attenuated familial adenomatous polyposis. Last evaluated: 2023-12-01. Review status: criteria provided, single submitter. Criteria: ACMG Guidelines, 2015. Collection method: clinical testing. Allele origin: germline. Inheritance: Autosomal dominant inheritance. Observed: 2 variant alleles, 2 heterozygotes.
Comment: This missense variant replaces lysine with glutamic acid at codon 1796 of the APC protein. Computational prediction suggests that this variant may not impact protein structure and function (internally defined REVEL score threshold <= 0.5, PMID: 27666373). To our knowledge, functional studies have not been reported for this variant. This variant has not been reported in individuals affected with hereditary cancer in the literature. This variant has been identified in 1/249732 chromosomes in the general population by the Genome Aggregation Database (gnomAD). The available evidence is insufficient to determine the role of this variant in disease conclusively. Therefore, this variant is classified as a Variant of Uncertain Significance.

This study involves interpretation of variants in research participants for the purpose of population health screening. Participant phenotype was not available at the time of variant classification. Additional details can be found in publication PMID: 35346344, PMCID: PMC8962531

Women's Health and Genetics/Laboratory Corporation of America, LabCorp
Classification: Uncertain significance. Last evaluated: 2021-05-19. Review status: criteria provided, single submitter. Criteria: LabCorp Variant Classification Summary - May 2015. Collection method: clinical testing. Allele origin: germline.
Comment: Variant summary: APC c.5386A>G (p.Lys1796Glu) results in a conservative amino acid change in the encoded protein sequence. Four of five in-silico tools predict a benign effect of the variant on protein function. The variant allele was found at a frequency of 4e-06 in 249732 control chromosomes (gnomAD). The available data on variant occurrences in the general population are insufficient to allow any conclusion about variant significance. c.5386A>G has been reported in the literature in an individual affected with breast cancer (Tung_2015). This report however, does not provide unequivocal conclusions about association of the variant with Familial Adenomatous Polyposis. To our knowledge, no experimental evidence demonstrating an impact on protein function has been reported. Three ClinVar submitters (evaluation after 2014) cite the variant as uncertain significance. Based on the evidence outlined above, the variant was classified as uncertain significance.

GeneDx
Classification: Uncertain significance. Last evaluated: 2020-04-22. Review status: criteria provided, single submitter. Criteria: GeneDx Variant Classification Process June 2021. Collection method: clinical testing. Allele origin: germline. Affected: yes.
Comment: Not observed at a significant frequency in large population cohorts (Lek 2016); In silico analysis supports that this missense variant does not alter protein structure/function; Has not been previously published as pathogenic or benign to our knowledge; This variant is associated with the following publications: (PMID: 23085758)

Literature cited by the submitters: PubMed 25186627 (cited by 3 submitters).

NM_000038.6(APC):c.5386A>G (p.Lys1796Glu)

Gene: APC (APC regulator of Wnt signaling pathway; plus strand). Cytogenetic location: 5q22.2.
Variant type: single nucleotide variant.
Coding change: c.5386A>G on transcript NM_000038.6 (MANE Select); coding-DNA position 5386, A replaced by G.
Protein change: p.Lys1796Glu; replaces lysine 1796 with glutamic acid.
Molecular consequence: missense variant.
Genome position (GRCh38, 1-based): chr5:112,840,980, A>G. VCF-style: chr5-112840980-A-G. GRCh37 (hg19) VCF-style: chr5-112176677-A-G.
Other names: c.5311A>G, p.Lys1771Glu (NM_001354898.2); c.5302A>G, p.Lys1768Glu (NM_001354899.2); c.5263A>G, p.Lys1755Glu (NM_001354900.2); c.5209A>G, p.Lys1737Glu (NM_001354901.2); c.5113A>G, p.Lys1705Glu (NM_001354902.2); c.5083A>G, p.Lys1695Glu (NM_001354903.2); c.5008A>G, p.Lys1670Glu (NM_001354904.2); c.4906A>G, p.Lys1636Glu (NM_001354905.2); and 5 more; short protein forms K1778E, K1796E, K1636E, K1705E, K1768E, K1806E, K1695E, K1737E.
Identifiers: ClinVar variation 482237 (VCV000482237.25), dbSNP rs367577259, ClinGen allele CA16033101.